The following is an entry in ClinVar:

NM_003177.7(SYK):c.299T>C (p.Val100Ala)

Gene: SYK (spleen associated tyrosine kinase; plus strand). Cytogenetic location: 9q22.2.
Variant type: single nucleotide variant.
Coding change: c.299T>C on transcript NM_003177.7 (MANE Select); coding-DNA position 299, T replaced by C.
Protein change: p.Val100Ala; replaces valine 100 with alanine.
Molecular consequence: missense variant.
Genome position (GRCh38, 1-based): chr9:90,844,197, T>C. VCF-style: chr9-90844197-T-C. GRCh37 (hg19) VCF-style: chr9-93606479-T-C.
Other names: c.299T>C, p.Val100Ala (NM_001135052.4, NM_001174167.3, NM_001174168.3); short protein forms V100A.
Identifiers: ClinVar variation 4846944 (VCV004846944.1).
Genomic context (GRCh38, chr9:90,844,197, plus strand): 5'-GGACCCATGCCAGCCCCGCCGACCTCTGCCACTACCACTCCCAGGAGTCTGATGGCCTGG[T>C]CTGCCTCCTCAAGAAGCCCTTCAACCGGCCCCAAGGGGTGCAGCCCAAGACTGGGCCCTT-3'
Protein context (NP_003168.2, residues 90-110): HYHSQESDGL[Val100Ala]CLLKKPFNRP

ClinVar aggregate classification (germline): Uncertain significance (1 of 4 stars; one submission).

Conditions:
Immunodeficiency 82 with systemic inflammation. Identifiers: Orphanet 695807, MedGen C5543581, MONDO:0030308, OMIM 619381.

gnomAD v4.1: 3 of 1,614,062 alleles (0.00019%); highest among the groups gnomAD compares: African/African-American, 0.0027%; no homozygotes.

Submission:

Laboratorio de Genetica e Diagnostico Molecular, Hospital Israelita Albert Einstein
Classification: Uncertain significance for Immunodeficiency 82 with systemic inflammation. Last evaluated: 2026-03-18. Review status: criteria provided, single submitter. Criteria: ACMG Guidelines, 2015. Collection method: clinical testing. Allele origin: germline. Affected: yes.
Comment: ACMG classification criteria: PM2 supporting, PP2 supporting, BP4 supporting